The following is an entry in ClinVar:

ClinVar aggregate classification (germline): Uncertain significance (1 of 4 stars; one submission).

Conditions:
Werner syndrome (WRN). Identifiers: Orphanet 902, MedGen C0043119, MONDO:0010196, OMIM 277700.

Allele frequency attached by ClinVar (database versions not stated): ExAC 0.00001.
gnomAD v4.1: 14 of 1,612,758 alleles (0.00087%); highest among the groups gnomAD compares: African/African-American, 0.0094%; no homozygotes.

Submission:

Labcorp Genetics (formerly Invitae), Labcorp
Classification: Uncertain significance for Werner syndrome. Last evaluated: 2023-08-28. Review status: criteria provided, single submitter. Criteria: Invitae Variant Classification Sherloc (09022015). Collection method: clinical testing. Allele origin: germline.
Comment: This sequence change replaces isoleucine, which is neutral and non-polar, with phenylalanine, which is neutral and non-polar, at codon 595 of the WRN protein (p.Ile595Phe). This variant is present in population databases (rs763482212, gnomAD 0.02%). This variant has not been reported in the literature in individuals affected with WRN-related conditions. ClinVar contains an entry for this variant (Variation ID: 661212). An algorithm developed to predict the effect of missense changes on protein structure and function (PolyPhen-2) suggests that this variant is likely to be disruptive. In summary, the available evidence is currently insufficient to determine the role of this variant in disease. Therefore, it has been classified as a Variant of Uncertain Significance.

NM_000553.6(WRN):c.1783A>T (p.Ile595Phe)

Gene: WRN (WRN RecQ like helicase; plus strand). Cytogenetic location: 8p12.
Variant type: single nucleotide variant.
Coding change: c.1783A>T on transcript NM_000553.6 (MANE Select); coding-DNA position 1783, A replaced by T.
Protein change: p.Ile595Phe; replaces isoleucine 595 with phenylalanine.
Molecular consequence: missense variant.
Genome position (GRCh38, 1-based): chr8:31,090,896, A>T. VCF-style: chr8-31090896-A-T. GRCh37 (hg19) VCF-style: chr8-30948412-A-T.
Other names: short protein forms I595F.
Identifiers: ClinVar variation 661212 (VCV000661212.7), dbSNP rs763482212, ClinGen allele CA4704484.